The following is an entry in ClinVar:

NM_001252024.2(TRPM1):c.3506T>G (p.Leu1169Arg)

Genes: TRPM1 (transient receptor potential cation channel subfamily M member 1; minus strand), TRPM1-AS1 (TRPM1 antisense RNA 1; plus strand), LOC126862088 (BRD4-independent group 4 enhancer GRCh37_chr15:31318084-31319283; plus strand). Cytogenetic location: 15q13.3.
Variant type: single nucleotide variant.
Coding change: c.3506T>G on transcript NM_001252024.2 (MANE Select); coding-DNA position 3506, T replaced by G.
Protein change: p.Leu1169Arg; replaces leucine 1169 with arginine.
Molecular consequence: missense variant.
Genome position (GRCh38, 1-based): chr15:31,026,262, A>C on the plus strand (T>G on the coding strand, the complement: TRPM1 is on the minus strand). VCF-style: chr15-31026262-A-C. GRCh37 (hg19) VCF-style: chr15-31318465-A-C.
Other names: c.3557T>G, p.Leu1186Arg (NM_001252020.2); c.3440T>G, p.Leu1147Arg (NM_002420.6); short protein forms L1147R, L1169R, L1186R.
Identifiers: ClinVar variation 941215 (VCV000941215.9), dbSNP rs1267263830, ClinGen allele CA391540705.

ClinVar aggregate classification (germline): Uncertain significance (1 of 4 stars; one submission).

Allele frequency attached by ClinVar (database versions not stated): gnomAD exomes below 0.00001; gnomAD 0.00001; TOPMed 0.00001.
gnomAD v4.1: 22 of 1,610,772 alleles (0.0014%); highest among the groups gnomAD compares: Non-Finnish European, 0.0018%; no homozygotes.

Submission:

Labcorp Genetics (formerly Invitae), Labcorp
Classification: Uncertain significance. Last evaluated: 2024-12-02. Review status: criteria provided, single submitter. Criteria: Invitae Variant Classification Sherloc (09022015). Collection method: clinical testing. Allele origin: germline.
Comment: This sequence change replaces leucine, which is neutral and non-polar, with arginine, which is basic and polar, at codon 1147 of the TRPM1 protein (p.Leu1147Arg). This variant is present in population databases (no rsID available, gnomAD 0.0009%). This variant has not been reported in the literature in individuals affected with TRPM1-related conditions. ClinVar contains an entry for this variant (Variation ID: 941215). Invitae Evidence Modeling of protein sequence and biophysical properties (such as structural, functional, and spatial information, amino acid conservation, physicochemical variation, residue mobility, and thermodynamic stability) has been performed for this missense variant. However, the output from this modeling did not meet the statistical confidence thresholds required to predict the impact of this variant on TRPM1 protein function. In summary, the available evidence is currently insufficient to determine the role of this variant in disease. Therefore, it has been classified as a Variant of Uncertain Significance.